The following is an entry in ClinVar:

ClinVar aggregate classification (germline): Likely benign. Review status: criteria provided, multiple submitters, no conflicts (2 of 4 stars). 4 submissions from 4 submitters: Likely benign (4). Last evaluated 2026-03-25.

Conditions:
FLNA-related disorder.
Oto-palato-digital syndrome, type II (OPD2). Also called: Otopalatodigital Syndrome, Type II; FACIOPALATOOSSEOUS SYNDROME; Otopalatodigital Syndrome Type 2 (FLNA-OPD2); OPD II SYNDROME. Identifiers: Orphanet 669, Orphanet 90652, MedGen C1844696, MONDO:0010571, OMIM 304120.
Melnick-Needles syndrome (MNS). Also called: Melnick-Needles Syndrome (FLNA-MNS); MELNICK-NEEDLES OSTEODYSPLASTY; OSTEODYSPLASTY OF MELNICK AND NEEDLES. Identifiers: Orphanet 2484, MedGen C0025237, MONDO:0010650, OMIM 309350.
Heterotopia, periventricular, X-linked dominant (PVNH1). Also called: PERIVENTRICULAR NODULAR HETEROTOPIA 4; HETEROTOPIA, PERIVENTRICULAR, 1; X-linked periventricular heterotopia; PERIVENTRICULAR NODULAR HETEROTOPIA 1. Identifiers: Orphanet 2149, Orphanet 82004, MedGen C1848213, MONDO:0010233, OMIM 300049.
Frontometaphyseal dysplasia (FMD1). Identifiers: Orphanet 1826, MedGen C0265293, MONDO:0015942.

Allele frequency attached by ClinVar (database versions not stated): gnomAD exomes below 0.00001 and 0.00003; TOPMed 0.00001; ExAC 0.00002.
gnomAD v4.1: 5 of 1,211,048 alleles (0.00041%); highest among the groups gnomAD compares: Admixed American, 0.011%; no homozygotes.

Submissions (4):

PreventionGenetics, part of Exact Sciences
Classification: Likely benign for FLNA-related condition. Last evaluated: 2026-03-25. Review status: criteria provided, single submitter. Criteria: ACMG Guidelines, 2015. Collection method: clinical testing. Allele origin: germline.
Comment: This variant is classified as likely benign based on ACMG/AMP sequence variant interpretation guidelines (Richards et al. 2015 PMID: 25741868, with internal and published modifications).

CeGaT Center for Human Genetics Tuebingen
Classification: Likely benign. Last evaluated: 2026-03-01. Review status: criteria provided, single submitter. Criteria: CeGaT Center For Human Genetics Tuebingen Variant Classification Criteria Version 2. Collection method: clinical testing. Allele origin: germline. Affected: yes. Observed: 1 variant allele.
Comment: FLNA: BP4

Labcorp Genetics (formerly Invitae), Labcorp
Classification: Likely benign for Oto-palato-digital syndrome, type II; Heterotopia, periventricular, X-linked dominant; Frontometaphyseal dysplasia; Melnick-Needles syndrome. Last evaluated: 2024-07-09. Review status: criteria provided, single submitter. Criteria: Invitae Variant Classification Sherloc (09022015). Collection method: clinical testing. Allele origin: germline.

GeneDx
Classification: Likely benign. Last evaluated: 2020-03-19. Review status: criteria provided, single submitter. Criteria: GeneDx Variant Classification Process June 2021. Collection method: clinical testing. Allele origin: germline. Affected: yes.

NM_001110556.2(FLNA):c.592C>T (p.Leu198=)

Gene: FLNA (filamin A; minus strand). Cytogenetic location: Xq28.
Variant type: single nucleotide variant.
Coding change: c.592C>T on transcript NM_001110556.2 (MANE Select); coding-DNA position 592, C replaced by T.
Protein change: p.Leu198=; no amino-acid change (leucine 198 retained).
Molecular consequence: synonymous variant.
Genome position (GRCh38, 1-based): chrX:154,367,872, G>A on the plus strand (C>T on the coding strand, the complement: FLNA is on the minus strand). VCF-style: chrX-154367872-G-A. GRCh37 (hg19) VCF-style: chrX-153596240-G-A.
Other names: c.592C>T, p.Leu198= (NM_001456.4); c.592C>T (NM_001110556.1).
Identifiers: ClinVar variation 1157168 (VCV001157168.16), dbSNP rs781818080, ClinGen allele CA10561402.